The following is an entry in ClinVar:

NM_001323289.2(CDKL5):c.29T>C (p.Met10Thr)

Gene: CDKL5 (cyclin dependent kinase like 5; plus strand). Cytogenetic location: Xp22.13.
Variant type: single nucleotide variant.
Coding change: c.29T>C on transcript NM_001323289.2 (MANE Select); coding-DNA position 29, T replaced by C.
Protein change: p.Met10Thr; replaces methionine 10 with threonine.
Molecular consequence: missense variant.
Genome position (GRCh38, 1-based): chrX:18,507,125, T>C. VCF-style: chrX-18507125-T-C. GRCh37 (hg19) VCF-style: chrX-18525245-T-C.
Other names: c.29T>C, p.Met10Thr (NM_001037343.2, NM_003159.3); short protein forms M10T.
Identifiers: ClinVar variation 2501844 (VCV002501844.1), dbSNP rs2518776860, ClinGen allele CA412489539.

ClinVar aggregate classification (germline): Uncertain significance (1 of 4 stars; one submission).

Submission:

GeneDx
Classification: Uncertain significance. Last evaluated: 2022-11-12. Review status: criteria provided, single submitter. Criteria: GeneDx Variant Classification Process June 2021. Collection method: clinical testing. Allele origin: germline. Affected: yes.
Comment: Not observed at significant frequency in large population cohorts (gnomAD); In silico analysis supports that this missense variant has a deleterious effect on protein structure/function; Has not been previously published as pathogenic or benign to our knowledge